The following is an entry in ClinVar:

NM_001127255.2(NLRP7):c.2218_2224del (p.Gly740fs)

Genes: NCR1 (natural cytotoxicity triggering receptor 1), NLRP7 (NLR family pyrin domain containing 7; minus strand). Cytogenetic location: 19q13.42.
Variant type: Deletion.
Coding change: c.2218_2224del on transcript NM_001127255.2 (MANE Select); coding-DNA positions 2218 to 2224, 7 bases deleted (GGGCACA; older notation c.2218_2224delGGGCACA).
Protein change: p.Gly740fs; shifts the reading frame from glycine 740.
Molecular consequence: frameshift variant.
Genome position (GRCh38, 1-based): chr19:54,936,337-54,936,343, TGTGCCC deleted on the plus strand (GGGCACA on the coding strand, the reverse complement: NLRP7 is on the minus strand); deleting any 7 consecutive bases within chr19:54,936,337-54,936,345 gives the same sequence; the c. name uses the placement nearest the transcript's 3' end. VCF-style (leftmost placement, unchanged base first): chr19-54936336-ATGTGCCC-A. GRCh37 (hg19) VCF-style: chr19-55447704-ATGTGCCC-A.
Other names: c.2216_2222delCAGGGCA, p.Gly740Serfs (NM_001127255.1); c.2218_2224del, p.Gly740fs (NM_001405531.1, NM_206828.4); c.2134_2140del, p.Gly712fs (NM_139176.4); short protein forms G712fs, G740fs.
Identifiers: ClinVar variation 3382290 (VCV003382290.2).

ClinVar aggregate classification (germline): Likely pathogenic (1 of 4 stars; one submission).

Conditions:
Hydatidiform mole, recurrent, 1 (HYDM1). Identifiers: Orphanet 254688, Orphanet 99927, MedGen C3463897, MONDO:0009273, OMIM 231090. Disease mechanism: loss of function.

Submission:

Juno Genomics, Hangzhou Juno Genomics, Inc
Classification: Likely pathogenic for Hydatidiform mole, recurrent, 1. Review status: criteria provided, single submitter. Criteria: ACMG Guidelines, 2015. Collection method: clinical testing. Allele origin: germline. Affected: yes.
Comment: Absent from controls (or at extremely low frequency if recessive) in Genome Aggregation Database, Exome Sequencing Project, 1000 Genomes Project, or Exome Aggregation Consortium.;Null variant in a gene where loss of function (LOF) is a known mechanism of disease.;For recessive disorders, detected in trans with a pathogenic variant.